The following is an entry in ClinVar:

ClinVar aggregate classification (germline): Uncertain significance. Review status: criteria provided, multiple submitters, no conflicts (2 of 4 stars). 2 submissions from 2 submitters: Uncertain significance (2). Last evaluated 2026-04-20.

Conditions:
Inborn genetic diseases. Identifiers: MedGen C0950123, MeSH D030342.

gnomAD v4.1: 3 of 1,567,162 alleles (0.00019%); highest among the groups gnomAD compares: African/African-American, 0.0013%; 1 homozygote.

Submissions (2):

GeneDx
Classification: Uncertain significance. Last evaluated: 2026-04-20. Review status: criteria provided, single submitter. Criteria: GeneDx Variant Classification Process June 2021. Collection method: clinical testing. Allele origin: germline.
Comment: Not observed at significant frequency in large population cohorts (gnomAD); In silico analysis supports that this missense variant has a deleterious effect on protein structure/function; Has not been previously published as pathogenic or benign to our knowledge

Ambry Genetics
Classification: Uncertain significance for Inborn genetic diseases. Last evaluated: 2025-07-31. Review status: criteria provided, single submitter. Criteria: Ambry Variant Classification Scheme 2023. Collection method: clinical testing. Allele origin: germline.

NM_000350.3(ABCA4):c.4514G>C (p.Gly1505Ala)

Gene: ABCA4 (ATP binding cassette subfamily A member 4; minus strand). Cytogenetic location: 1p22.1.
Variant type: single nucleotide variant.
Coding change: c.4514G>C on transcript NM_000350.3 (MANE Select); coding-DNA position 4514, G replaced by C.
Protein change: p.Gly1505Ala; replaces glycine 1505 with alanine.
Molecular consequence: missense variant.
Genome position (GRCh38, 1-based): chr1:94,029,470, C>G on the plus strand (G>C on the coding strand, the complement: ABCA4 is on the minus strand). VCF-style: chr1-94029470-C-G. GRCh37 (hg19) VCF-style: chr1-94495026-C-G.
Other names: c.4292G>C, p.Gly1431Ala (NM_001425324.1); short protein forms G1431A, G1505A.
Identifiers: ClinVar variation 4267179 (VCV004267179.2).